The following is an entry in ClinVar:

NM_002971.6(SATB1):c.1054C>A (p.Pro352Thr)

Gene: SATB1 (SATB homeobox 1; minus strand). Cytogenetic location: 3p24.3.
Variant type: single nucleotide variant.
Coding change: c.1054C>A on transcript NM_002971.6 (MANE Select); coding-DNA position 1054, C replaced by A.
Protein change: p.Pro352Thr; replaces proline 352 with threonine.
Molecular consequence: missense variant.
Genome position (GRCh38, 1-based): chr3:18,394,614, G>T on the plus strand (C>A on the coding strand, the complement: SATB1 is on the minus strand). VCF-style: chr3-18394614-G-T. GRCh37 (hg19) VCF-style: chr3-18436106-G-T.
Other names: c.838C>A, p.Pro280Thr (NM_001322876.2); c.1054C>A, p.Pro352Thr (NM_001322873.2, NM_001322874.2, NM_001322875.2 and 4 more transcripts); short protein forms P280T, P352T.
Identifiers: ClinVar variation 3898639 (VCV003898639.7).
Genomic context (GRCh38, chr3:18,394,614, plus strand): 5'-ACACCTCTGTGTTGGTCGAAACCTGTTGCTCCAAAGGCTTATTCATAGATCTACTGACAG[G>T]GGGAGGGTGGTTCAAGTATTGTTGGTTTAAGGACTGCTGGGCTAAAAGTCTATTCACTGC-3'
Protein context (NP_002962.1, residues 342-362): LNQQYLNHPP[Pro352Thr]VSRSMNKPLE

ClinVar aggregate classification (germline): Uncertain significance (1 of 4 stars; one submission).

gnomAD v4.1: 2 of 1,614,162 alleles (0.00012%); highest among the groups gnomAD compares: Non-Finnish European, 0.00017%; no homozygotes.

Submission:

CeGaT Center for Human Genetics Tuebingen
Classification: Uncertain significance. Last evaluated: 2025-04-01. Review status: criteria provided, single submitter. Criteria: CeGaT Center For Human Genetics Tuebingen Variant Classification Criteria Version 2. Collection method: clinical testing. Allele origin: germline. Affected: yes. Observed: 1 variant allele.
Comment: SATB1: PM2